The following is an entry in ClinVar:

ClinVar aggregate classification (germline): Uncertain significance (1 of 4 stars; one submission).

Submission:

Labcorp Genetics (formerly Invitae), Labcorp
Classification: Uncertain significance. Last evaluated: 2022-02-20. Review status: criteria provided, single submitter. Criteria: Invitae Variant Classification Sherloc (09022015). Collection method: clinical testing. Allele origin: germline.
Comment: This sequence change replaces glutamic acid, which is acidic and polar, with lysine, which is basic and polar, at codon 49 of the EIF2B3 protein (p.Glu49Lys). This variant is not present in population databases (gnomAD no frequency). This variant has not been reported in the literature in individuals affected with EIF2B3-related conditions. Algorithms developed to predict the effect of missense changes on protein structure and function (SIFT, PolyPhen-2, Align-GVGD) all suggest that this variant is likely to be tolerated. In summary, the available evidence is currently insufficient to determine the role of this variant in disease. Therefore, it has been classified as a Variant of Uncertain Significance.

NM_020365.5(EIF2B3):c.145G>A (p.Glu49Lys)

Gene: EIF2B3 (eukaryotic translation initiation factor 2B subunit gamma; minus strand). Cytogenetic location: 1p34.1.
Variant type: single nucleotide variant.
Coding change: c.145G>A on transcript NM_020365.5 (MANE Select); coding-DNA position 145, G replaced by A.
Protein change: p.Glu49Lys; replaces glutamic acid 49 with lysine.
Molecular consequence: missense variant.
Genome position (GRCh38, 1-based): chr1:44,981,024, C>T on the plus strand (G>A on the coding strand, the complement: EIF2B3 is on the minus strand). VCF-style: chr1-44981024-C-T. GRCh37 (hg19) VCF-style: chr1-45446696-C-T.
Other names: c.145G>A, p.Glu49Lys (NM_001166588.3, NM_001261418.2); short protein forms E49K.
Identifiers: ClinVar variation 1957044 (VCV001957044.2), dbSNP rs2522788039, ClinGen allele CA340101640.